The following is an entry in ClinVar:

NM_005732.4(RAD50):c.826G>C (p.Asp276His)

Gene: RAD50 (RAD50 double strand break repair protein; plus strand). Cytogenetic location: 5q31.1.
Variant type: single nucleotide variant.
Coding change: c.826G>C on transcript NM_005732.4 (MANE Select); coding-DNA position 826, G replaced by C.
Protein change: p.Asp276His; replaces aspartic acid 276 with histidine.
Molecular consequence: missense variant.
Genome position (GRCh38, 1-based): chr5:132,587,631, G>C. VCF-style: chr5-132587631-G-C. GRCh37 (hg19) VCF-style: chr5-131923323-G-C.
Other names: c.826G>C (NM_005732.3); short protein forms D276H.
Identifiers: ClinVar variation 1410827 (VCV001410827.10), dbSNP rs1750615663, ClinGen allele CA360940260.
Genomic context (GRCh38, chr5:132,587,631, plus strand): 5'-AAAGAAATTGAACATAATCTCTCTAAAATAATGAAACTTGACAATGAAATTAAAGCCTTG[G>C]ATAGCCGAAAGAAGCAAATGGAGAAAGATAATAGTGAACTGGAAGAGAAAATGGAAAAGG-3'
Protein context (NP_005723.2, residues 266-286): MKLDNEIKAL[Asp276His]SRKKQMEKDN

ClinVar aggregate classification (germline): Uncertain significance. Review status: criteria provided, multiple submitters, no conflicts (2 of 4 stars). 2 submissions from 2 submitters: Uncertain significance (2). Last evaluated 2025-04-19.

Conditions:
Hereditary cancer-predisposing syndrome. Also called: Hereditary Cancer Syndrome; Tumor predisposition; Hereditary neoplastic syndrome; Neoplastic Syndromes, Hereditary. Identifiers: Orphanet 140162, MedGen C0027672, MeSH D009386, MONDO:0015356.

Allele frequency attached by ClinVar (database versions not stated): TOPMed below 0.00001.

Submissions (2):

Ambry Genetics
Classification: Uncertain significance for Hereditary cancer-predisposing syndrome. Last evaluated: 2025-04-19. Review status: criteria provided, single submitter. Criteria: Ambry Variant Classification Scheme 2023. Collection method: clinical testing. Allele origin: germline.
Comment: The p.D276H variant (also known as c.826G>C), located in coding exon 6 of the RAD50 gene, results from a G to C substitution at nucleotide position 826. The aspartic acid at codon 276 is replaced by histidine, an amino acid with similar properties. This amino acid position is conserved. In addition, this alteration is predicted to be tolerated by in silico analysis. Since supporting evidence is limited at this time, the clinical significance of this alteration remains unclear.

Labcorp Genetics (formerly Invitae), Labcorp
Classification: Uncertain significance for Hereditary cancer-predisposing syndrome. Last evaluated: 2023-11-12. Review status: criteria provided, single submitter. Criteria: Invitae Variant Classification Sherloc (09022015). Collection method: clinical testing. Allele origin: germline.
Comment: This sequence change replaces aspartic acid, which is acidic and polar, with histidine, which is basic and polar, at codon 276 of the RAD50 protein (p.Asp276His). This variant is not present in population databases (gnomAD no frequency). This variant has not been reported in the literature in individuals affected with RAD50-related conditions. ClinVar contains an entry for this variant (Variation ID: 1410827). Advanced modeling of protein sequence and biophysical properties (such as structural, functional, and spatial information, amino acid conservation, physicochemical variation, residue mobility, and thermodynamic stability) performed at Invitae indicates that this missense variant is not expected to disrupt RAD50 protein function with a negative predictive value of 80%. In summary, the available evidence is currently insufficient to determine the role of this variant in disease. Therefore, it has been classified as a Variant of Uncertain Significance.